The following is an entry in ClinVar:

NM_006231.4(POLE):c.6380G>C (p.Arg2127Pro)

Gene: POLE (DNA polymerase epsilon, catalytic subunit; minus strand). Cytogenetic location: 12q24.33.
Variant type: single nucleotide variant.
Coding change: c.6380G>C on transcript NM_006231.4 (MANE Select); coding-DNA position 6380, G replaced by C.
Protein change: p.Arg2127Pro; replaces arginine 2127 with proline.
Molecular consequence: missense variant.
Genome position (GRCh38, 1-based): chr12:132,626,268, C>G on the plus strand (G>C on the coding strand, the complement: POLE is on the minus strand). VCF-style: chr12-132626268-C-G. GRCh37 (hg19) VCF-style: chr12-133202854-C-G.
Other names: short protein forms R2127P.
Identifiers: ClinVar variation 1753175 (VCV001753175.2), dbSNP rs199613242, ClinGen allele CA387367750.
Genomic context (GRCh38, chr12:132,626,268, plus strand): 5'-GGGTCTCGGAACTGGGCCTCCTCGGAGAACTCGCCGACATCCACCAGGCGAAGCAGGTCT[C>G]GGTTCAGCTTATTCACCTGGTTTGTGATGTTGGTGTCCAGGGACAGCACCTGCAGAGACC-3'
Protein context (NP_006222.2, residues 2117-2137): NITNQVNKLN[Arg2127Pro]DLLRLVDVGE

ClinVar aggregate classification (germline): Uncertain significance (1 of 4 stars; one submission).

Conditions:
Hereditary cancer-predisposing syndrome. Also called: Neoplastic Syndromes, Hereditary; Tumor predisposition; Hereditary Cancer Syndrome; Hereditary neoplastic syndrome. Identifiers: Orphanet 140162, MedGen C0027672, MeSH D009386, MONDO:0015356.

Submission:

Ambry Genetics
Classification: Uncertain significance for Hereditary cancer-predisposing syndrome. Last evaluated: 2021-07-11. Review status: criteria provided, single submitter. Criteria: Ambry Variant Classification Scheme 2023. Collection method: clinical testing. Allele origin: germline.
Comment: The p.R2127P variant (also known as c.6380G>C), located in coding exon 46 of the POLE gene, results from a G to C substitution at nucleotide position 6380. The arginine at codon 2127 is replaced by proline, an amino acid with dissimilar properties. This amino acid position is conserved. In addition, this alteration is predicted to be deleterious by in silico analysis. Since supporting evidence is limited at this time, the clinical significance of this alteration remains unclear.